The following is an entry in ClinVar:

ClinVar aggregate classification (germline): Likely pathogenic (1 of 4 stars; one submission).

Conditions:
Neurodevelopmental disorder with or without autism or seizures (NEDAUS). Identifiers: MedGen C5543225, MONDO:0030994, OMIM 619239.

Submission:

3billion
Classification: Likely pathogenic for Neurodevelopmental disorder with or without autism or seizures. Last evaluated: 2025-08-04. Review status: criteria provided, single submitter. Criteria: ACMG Guidelines, 2015. Collection method: clinical testing. Allele origin: germline. Affected: yes.
Comment: The variant is not observed in the gnomAD v4.1.0 dataset. Predicted Consequence/Location: Frameshift: predicted to result in a loss or disruption of normal protein function through nonsense-mediated decay (NMD) or protein truncation. Multiple pathogenic variants are reported downstream of the variant. Therefore, this variant is classified as Likely pathogenic according to the recommendation of ACMG/AMP guideline.

NM_003590.5(CUL3):c.538del (p.Arg180fs)

Gene: CUL3 (cullin 3; minus strand). Cytogenetic location: 2q36.2.
Variant type: Deletion.
Coding change: c.538del on transcript NM_003590.5 (MANE Select); coding-DNA position 538, one base deleted (A; older notation c.538delA).
Protein change: p.Arg180fs; shifts the reading frame from arginine 180.
Molecular consequence: frameshift variant.
Genome position (GRCh38, 1-based): chr2:224,514,613, T deleted on the plus strand (A on the coding strand, the reverse complement: CUL3 is on the minus strand). VCF-style (leftmost placement, unchanged base first): chr2-224514612-CT-C. GRCh37 (hg19) VCF-style: chr2-225379329-CT-C.
Other names: c.556del, p.Arg186fs (NM_001257198.2); c.340del, p.Arg114fs (NM_001257197.2); short protein forms R114fs, R180fs, R186fs.
Identifiers: ClinVar variation 4855937 (VCV004855937.1).